The following is an entry in ClinVar:

NM_000206.3(IL2RG):c.51C>T (p.Pro17=)

Genes: IL2RG (interleukin 2 receptor subunit gamma; minus strand), LOC126863274 (MED14-independent group 3 enhancer GRCh37_chrX:70330888-70332087; plus strand). Cytogenetic location: Xq13.1.
Variant type: single nucleotide variant.
Coding change: c.51C>T on transcript NM_000206.3 (MANE Select); coding-DNA position 51, C replaced by T.
Protein change: p.Pro17=; no amino-acid change (proline 17 retained).
Molecular consequence: synonymous variant.
Genome position (GRCh38, 1-based): chrX:71,111,489, G>A on the plus strand (C>T on the coding strand, the complement: IL2RG is on the minus strand). VCF-style: chrX-71111489-G-A. GRCh37 (hg19) VCF-style: chrX-70331339-G-A.
Other names: c.51C>T (NM_000206.2).
Identifiers: ClinVar variation 1079879 (VCV001079879.11), dbSNP rs773483114, ClinGen allele CA10443958.

ClinVar aggregate classification (germline): Likely benign. Review status: criteria provided, single submitter (1 of 4 stars). 2 submissions from 2 submitters: Likely benign (1). 1 of the submissions does not count toward it. Last evaluated 2025-11-01.

Conditions:
IL2RG-related disorder. Also called: IL2RG-related condition.
X-linked severe combined immunodeficiency (SCIDX1). Also called: X-Linked Combined Immunodeficiency Diseases; IMMUNODEFICIENCY 4; SCID, X-LINKED; SEVERE COMBINED IMMUNODEFICIENCY, X-LINKED, T CELL-NEGATIVE, B CELL-POSITIVE, NK CELL-NEGATIVE; T-B+ severe combined immunodeficiency due to gamma chain deficiency. Identifiers: Orphanet 276, MedGen C6022468, MONDO:0010315, OMIM 300400. Disease mechanism: loss of function.

Allele frequency attached by ClinVar (database versions not stated): ExAC 0.00001; gnomAD exomes 0.00001 and 0.00003; TOPMed 0.00005; gnomAD 0.00008 and 0.00009.
gnomAD v4.1: 45 of 1,208,126 alleles (0.0037%); highest among the groups gnomAD compares: Non-Finnish European, 0.0048%; no homozygotes.

Submissions (2):

Labcorp Genetics (formerly Invitae), Labcorp
Classification: Likely benign for X-linked severe combined immunodeficiency. Last evaluated: 2025-11-01. Review status: criteria provided, single submitter. Criteria: Invitae Variant Classification Sherloc (09022015). Collection method: clinical testing. Allele origin: germline.

PreventionGenetics, part of Exact Sciences
Classification: Likely benign for IL2RG-related condition. Last evaluated: 2021-03-08. Review status: no assertion criteria provided. Collection method: clinical testing. Allele origin: germline. Not counted in ClinVar's aggregate classification.
Comment: This variant is classified as likely benign based on ACMG/AMP sequence variant interpretation guidelines (Richards et al. 2015 PMID: 25741868, with internal and published modifications).